The following is an entry in ClinVar:

NM_005159.5(ACTC1):c.382A>G (p.Thr128Ala)

Genes: ACTC1 (actin alpha cardiac muscle 1; minus strand), GJD2-DT (GJD2 divergent transcript; plus strand). Cytogenetic location: 15q14.
Variant type: single nucleotide variant.
Coding change: c.382A>G on transcript NM_005159.5 (MANE Select); coding-DNA position 382, A replaced by G.
Protein change: p.Thr128Ala; replaces threonine 128 with alanine.
Molecular consequence: missense variant.
Genome position (GRCh38, 1-based): chr15:34,793,317, T>C on the plus strand (A>G on the coding strand, the complement: ACTC1 is on the minus strand). VCF-style: chr15-34793317-T-C. GRCh37 (hg19) VCF-style: chr15-35085518-T-C.
Other names: short protein forms T128A.
Identifiers: ClinVar variation 1031511 (VCV001031511.8), dbSNP rs1595761333, ClinGen allele CA391631356.

ClinVar aggregate classification (germline): Conflicting classifications of pathogenicity. Review status: criteria provided, conflicting classifications (1 of 4 stars). 2 submissions from 2 submitters: Likely pathogenic (1); Uncertain significance (1). Last evaluated 2023-04-12.

Conditions:
Atrial septal defect 5 (ASD5). Identifiers: Orphanet 1478, MedGen C2748552, MONDO:0013011, OMIM 612794.
Hypertrophic cardiomyopathy 11. Also called: ACTC1-Related Familial Hypertrophic Cardiomyopathy. Identifiers: MedGen C2677506, MONDO:0012799, OMIM 612098.
Dilated cardiomyopathy 1R (CMD1R). Identifiers: Orphanet 154, Orphanet 54260, MedGen C3150681, MONDO:0013261, OMIM 613424.

Submissions (2):

Labcorp Genetics (formerly Invitae), Labcorp
Classification: Uncertain significance for Dilated cardiomyopathy 1R; Hypertrophic cardiomyopathy 11; Atrial septal defect 5. Last evaluated: 2023-04-12. Review status: criteria provided, single submitter. Criteria: Invitae Variant Classification Sherloc (09022015). Collection method: clinical testing. Allele origin: germline.
Comment: This sequence change replaces threonine, which is neutral and polar, with alanine, which is neutral and non-polar, at codon 128 of the ACTC1 protein (p.Thr128Ala). This variant is not present in population databases (gnomAD no frequency). In summary, the available evidence is currently insufficient to determine the role of this variant in disease. Therefore, it has been classified as a Variant of Uncertain Significance. This variant disrupts the p.Thr128 amino acid residue in ACTC1. Other variant(s) that disrupt this residue have been observed in individuals with ACTC1-related conditions (PMID: 22464770), which suggests that this may be a clinically significant amino acid residue. Advanced modeling of protein sequence and biophysical properties (such as structural, functional, and spatial information, amino acid conservation, physicochemical variation, residue mobility, and thermodynamic stability) performed at Invitae indicates that this missense variant is not expected to disrupt ACTC1 protein function. ClinVar contains an entry for this variant (Variation ID: 1031511). This missense change has been observed in individual(s) with clinical features of dilated cardiomyopathy (Invitae).

Baylor Genetics
Classification: Likely pathogenic for Atrial septal defect 5. Last evaluated: 2018-06-22. Review status: criteria provided, single submitter. Criteria: ACMG Guidelines, 2015. Collection method: clinical testing. Allele origin: de novo. Affected: yes.
Comment: This variant was determined to be likely pathogenic according to ACMG Guidelines, 2015 [PMID:25741868].

Literature cited by the submitters: PubMed 22464770 (cited by Labcorp Genetics (formerly Invitae), Labcorp).